The following is an entry in ClinVar:

NM_024312.5(GNPTAB):c.53_56dup (p.Leu20fs)

Gene: GNPTAB (N-acetylglucosamine-1-phosphate transferase subunits alpha and beta; minus strand). Cytogenetic location: 12q23.2.
Variant type: Duplication.
Coding change: c.53_56dup on transcript NM_024312.5 (MANE Select); coding-DNA positions 53 to 56, 4 bases duplicated (ATGG; older notation c.53_56dupATGG).
Protein change: p.Leu20fs; shifts the reading frame from leucine 20.
Molecular consequence: frameshift variant.
Genome position (GRCh38, 1-based): chr12:101,830,620-101,830,623, CCAT duplicated on the plus strand (ATGG on the coding strand, the reverse complement: GNPTAB is on the minus strand). VCF-style (leftmost placement, unchanged base first): chr12-101830619-C-CCCAT. GRCh37 (hg19) VCF-style: chr12-102224397-C-CCCAT.
Other names: short protein forms L20fs.
Identifiers: ClinVar variation 4816153 (VCV004816153.1).
Genomic context (GRCh38, chr12:101,830,619, plus strand): 5'-CTCTCCGAACTGGAAGGCGGAGACGATGGTGACAACGACGCCCAAGAAGCACACGTAGAG[C>CCCAT]CCATACCTGTGGGACAGGCAGGTATAGGTCTGTCTCTGCAGGAGCTTGAACAGCATCACC-3'

ClinVar aggregate classification (germline): Likely pathogenic (1 of 4 stars; one submission).

Conditions:
Mucolipidosis type II. Also called: ML II ALPHA/BETA; Mucolipidosis 2; ML 2; Inclusion cell disease; Leroy Disease; N-acetylglucosamine 1phosphotransferase deficiency. Identifiers: Orphanet 576, MedGen C2673377, MONDO:0009650, OMIM 252500.

Submission:

Natera, Inc.
Classification: Likely pathogenic for Mucolipidosis type II. Last evaluated: 2026-01-13. Review status: criteria provided, single submitter. Criteria: Natera Variant Classification Schema (03/2026). Collection method: clinical testing. Allele origin: germline.
Comment: The c.53_56dup variant in GNPTAB is a frameshift variant predicted to shift the reading frame beginning at codon 20 and leads to a stop codon 36 codons downstream. This variant is expected to result in nonsense mediated decay, truncation, or a dysfunctional protein product. This variant is rare in the general population with a frequency below the threshold expected for the associated phenotype(s). Given the available evidence, this variant is classified as Likely Pathogenic.